The following is an entry in ClinVar:

NM_001367479.1(DNAH14):c.6518+5G>A

Gene: DNAH14 (dynein axonemal heavy chain 14; plus strand). Cytogenetic location: 1q42.12.
Variant type: single nucleotide variant.
Coding change: c.6518+5G>A on transcript NM_001367479.1 (MANE Select); 5 bases into the intron after coding-DNA position 6518, G replaced by A.
Molecular consequence: intron variant.
Genome position (GRCh38, 1-based): chr1:225,231,156, G>A. VCF-style: chr1-225231156-G-A. GRCh37 (hg19) VCF-style: chr1-225418858-G-A.
Other names: NC_000001.10:g.225418858G>A.
Identifiers: ClinVar variation 2507368 (VCV002507368.2), dbSNP rs145913076, ClinGen allele CA1416227.

ClinVar aggregate classification (germline): Uncertain significance (1 of 4 stars; one submission).

Allele frequency attached by ClinVar (database versions not stated): ExAC 0.00014; 1000 Genomes Project 30x 0.00047; gnomAD 0.00009; TOPMed 0.00006; 1000 Genomes Project 0.00060.
gnomAD v4.1: 158 of 1,532,300 alleles (0.01%); highest among the groups gnomAD compares: East Asian, 0.34%; 1 homozygote.

Submissions (2):

GeneDx
Classification: Uncertain significance. Last evaluated: 2022-12-31. Review status: criteria provided, single submitter. Criteria: GeneDx Variant Classification Process June 2021. Collection method: clinical testing. Allele origin: germline. Affected: yes.
Comment: In silico analysis supports a deleterious effect on splicing; Has not been previously published as pathogenic or benign to our knowledge

Dr. Peter K. Rogan Lab, Western University
No classification provided (evidence only). Condition: Hepatocellular carcinoma. Review status: no classification provided. Collection method: in vitro. Allele origin: not applicable. Functional consequence: skipped exon. Not counted in ClinVar's aggregate classification.